The following is an entry in ClinVar:

ClinVar aggregate classification (germline): Likely benign. Review status: criteria provided, multiple submitters, no conflicts (2 of 4 stars). 3 submissions from 3 submitters: Likely benign (3). Last evaluated 2024-09-22.

Conditions:
BAP1-related tumor predisposition syndrome (TPDS1). Also called: Tumor susceptibility linked to germline BAP1 mutations; BAP1 tumor predisposition syndrome; COMMON Syndrome; TUMOR PREDISPOSITION SYNDROME 1. Identifiers: Orphanet 289539, MedGen C3280492, MONDO:0013692, OMIM 614327.
Hereditary cancer-predisposing syndrome. Also called: Hereditary Cancer Syndrome; Neoplastic Syndromes, Hereditary; Tumor predisposition; Hereditary neoplastic syndrome. Identifiers: Orphanet 140162, MedGen C0027672, MeSH D009386, MONDO:0015356.

Allele frequency attached by ClinVar (database versions not stated): gnomAD exomes below 0.00001; gnomAD 0.00001; ExAC 0.00002; TOPMed 0.00002.
gnomAD v4.1: 3 of 1,612,772 alleles (0.00019%); highest among the groups gnomAD compares: Admixed American, 0.0033%; no homozygotes.

Submissions (3):

Labcorp Genetics (formerly Invitae), Labcorp
Classification: Likely benign for BAP1-related tumor predisposition syndrome. Last evaluated: 2024-09-22. Review status: criteria provided, single submitter. Criteria: Invitae Variant Classification Sherloc (09022015). Collection method: clinical testing. Allele origin: germline.

Myriad Genetics, Inc.
Classification: Likely benign for BAP1-related tumor predisposition syndrome. Last evaluated: 2024-07-15. Review status: criteria provided, single submitter. Criteria: Myriad Autosomal Dominant, Autosomal Recessive and X-Linked Classification Criteria (2023). Collection method: clinical testing. Allele origin: unknown.
Comment: This variant is considered likely benign. This variant is intronic and is not expected to impact mRNA splicing.

Color Diagnostics, LLC DBA Color Health
Classification: Likely benign for Hereditary cancer-predisposing syndrome. Last evaluated: 2017-09-29. Review status: criteria provided, single submitter. Criteria: ACMG Guidelines, 2015. Collection method: clinical testing. Allele origin: germline.

NM_004656.4(BAP1):c.931+6G>T

Gene: BAP1 (BRCA1 associated deubiquitinase 1; minus strand). Cytogenetic location: 3p21.1.
Variant type: single nucleotide variant.
Coding change: c.931+6G>T on transcript NM_004656.4 (MANE Select); 6 bases into the intron after coding-DNA position 931, G replaced by T.
Molecular consequence: intron variant.
Genome position (GRCh38, 1-based): chr3:52,405,759, C>A on the plus strand (G>T on the coding strand, the complement: BAP1 is on the minus strand). VCF-style: chr3-52405759-C-A. GRCh37 (hg19) VCF-style: chr3-52439775-C-A.
Identifiers: ClinVar variation 490905 (VCV000490905.9), dbSNP rs182594226, ClinGen allele CA2436971.
Genomic context (GRCh38, chr3:52,405,759, plus strand): 5'-GGCCTCCCATGTCAGACATTAGCGGGTGGCTCTGAGGTCCACAAGAGGTCCCAAACCCCC[C>A]AGTACCTGTGTGGTTGCCCTCAGAGGCTGCAGGGGCCCTGTTTGCTTCCAGCACCAGCGG-3'